The following is an entry in ClinVar:

ClinVar aggregate classification (germline): Pathogenic/Likely pathogenic. Review status: criteria provided, multiple submitters, no conflicts (2 of 4 stars). 2 submissions from 2 submitters: Pathogenic (1); Likely pathogenic (1). Last evaluated 2025-07-07.

Allele frequency attached by ClinVar (database versions not stated): gnomAD exomes 0.00001.

Submissions (2):

Dasa
Classification: Likely pathogenic. Last evaluated: 2025-07-07. Review status: criteria provided, single submitter. Criteria: DASA Assertion Criteria. Collection method: clinical testing. Allele origin: germline.
Comment: NM_207346.3(TSEN54):c.1264C>T (p.Gln422*) is a nonsense variant in TSEN54 predicted to introduce a premature termination codon and is predicted to result in an absent or altered protein product. Loss of function is an established disease mechanism for TSEN54-associated disorders. Also, this variant is rare in population databases. Based on the currently available evidence, this variant is classified as likely pathogenic.

Labcorp Genetics (formerly Invitae), Labcorp
Classification: Pathogenic. Last evaluated: 2023-08-04. Review status: criteria provided, single submitter. Criteria: Invitae Variant Classification Sherloc (09022015). Collection method: clinical testing. Allele origin: germline.
Comment: For these reasons, this variant has been classified as Pathogenic. This variant has not been reported in the literature in individuals affected with TSEN54-related conditions. This variant is present in population databases (no rsID available, gnomAD 0.0009%). This sequence change creates a premature translational stop signal (p.Gln422*) in the TSEN54 gene. It is expected to result in an absent or disrupted protein product. Loss-of-function variants in TSEN54 are known to be pathogenic (PMID: 18711368, 20952379).

Literature cited by the submitters: PubMed 18711368 (cited by Labcorp Genetics (formerly Invitae), Labcorp); PubMed 20952379 (cited by Labcorp Genetics (formerly Invitae), Labcorp).

NM_207346.3(TSEN54):c.1264C>T (p.Gln422Ter)

Gene: TSEN54 (tRNA splicing endonuclease subunit 54; plus strand). Cytogenetic location: 17q25.1.
Variant type: single nucleotide variant.
Coding change: c.1264C>T on transcript NM_207346.3 (MANE Select); coding-DNA position 1264, C replaced by T.
Protein change: p.Gln422Ter; replaces glutamine 422 with a stop codon.
Molecular consequence: nonsense.
Genome position (GRCh38, 1-based): chr17:75,523,286, C>T. VCF-style: chr17-75523286-C-T. GRCh37 (hg19) VCF-style: chr17-73519367-C-T.
Other names: short protein forms Q422*.
Identifiers: ClinVar variation 2786735 (VCV002786735.5), dbSNP rs1315130083, ClinGen allele CA401030464.